The following is an entry in ClinVar:

NM_004415.4(DSP):c.7229A>G (p.Asp2410Gly)

Gene: DSP (desmoplakin; plus strand). Cytogenetic location: 6p24.3.
Variant type: single nucleotide variant.
Coding change: c.7229A>G on transcript NM_004415.4 (MANE Select); coding-DNA position 7229, A replaced by G.
Protein change: p.Asp2410Gly; replaces aspartic acid 2410 with glycine.
Molecular consequence: missense variant.
Genome position (GRCh38, 1-based): chr6:7,584,491, A>G. VCF-style: chr6-7584491-A-G. GRCh37 (hg19) VCF-style: chr6-7584724-A-G.
Other names: c.5432A>G, p.Asp1811Gly (NM_001008844.3); c.5900A>G, p.Asp1967Gly (NM_001319034.2); short protein forms D1811G, D2410G, D1967G.
Identifiers: ClinVar variation 928090 (VCV000928090.4), dbSNP rs1759563429, ClinGen allele CA362692529.
Genomic context (GRCh38, chr6:7,584,491, plus strand): 5'-TAGCATATAAGAGGGGCTATTTCAATGAGGAACTCAGTGAGATTCTCTCAGATCCAAGTG[A>G]TGATACCAAAGGATTTTTTGACCCCAACACTGAAGAAAATCTTACCTATCTGCAACTAAA-3'
Protein context (NP_004406.2, residues 2400-2420): ELSEILSDPS[Asp2410Gly]DTKGFFDPNT

ClinVar aggregate classification (germline): Uncertain significance (1 of 4 stars; one submission).

Conditions:
Cardiomyopathy (CMYO). Also called: Cardiomyopathies. Identifiers: Orphanet 167848, MedGen C0878544, MONDO:0004994, HP:0001638. Inheritance: Various modes of inheritance.

Submission:

Color Diagnostics, LLC DBA Color Health
Classification: Uncertain significance for Cardiomyopathy. Last evaluated: 2024-03-06. Review status: criteria provided, single submitter. Criteria: ACMG Guidelines, 2015. Collection method: clinical testing. Allele origin: germline.
Comment: This missense variant replaces aspartic acid with glycine at codon 2410 of the DSP protein. Computational prediction tool is inconclusive regarding the impact of this variant on protein structure and function (internally defined REVEL score threshold 0.5 < inconclusive < 0.7, PMID: 27666373). Splice site prediction tools suggest that this variant may not impact RNA splicing. To our knowledge, functional studies have not been performed for this variant. This variant has not been reported in individuals affected with cardiovascular disorders in the literature. This variant has not been identified in the general population by the Genome Aggregation Database (gnomAD). The available evidence is insufficient to determine the role of this variant in disease conclusively. Therefore, this variant is classified as a Variant of Uncertain Significance.